The following is an entry in ClinVar:

ClinVar aggregate classification (germline): Likely benign. Review status: criteria provided, single submitter (1 of 4 stars). 2 submissions from 2 submitters: Likely benign (1). 1 of the submissions does not count toward it. Last evaluated 2019-12-31.

Conditions:
SCN7A-related disorder. Also called: SCN7A-related condition.

Allele frequency attached by ClinVar (database versions not stated): gnomAD exomes 0.00010 and 0.00021; ExAC 0.00026; ESP Exome Variant Server 0.00068; gnomAD 0.00080 and 0.00086; TOPMed 0.00092; 1000 Genomes Project 30x 0.00094; 1000 Genomes Project 0.00100.

Submissions (2):

Labcorp Genetics (formerly Invitae), Labcorp
Classification: Likely benign. Last evaluated: 2019-12-31. Review status: criteria provided, single submitter. Criteria: Invitae Variant Classification Sherloc (09022015). Collection method: clinical testing. Allele origin: germline.

PreventionGenetics, part of Exact Sciences
Classification: Likely benign for SCN7A-related condition. Last evaluated: 2022-04-28. Review status: no assertion criteria provided. Collection method: clinical testing. Allele origin: germline. Not counted in ClinVar's aggregate classification.
Comment: This variant is classified as likely benign based on ACMG/AMP sequence variant interpretation guidelines (Richards et al. 2015 PMID: 25741868, with internal and published modifications).

NM_002976.4(SCN7A):c.2431A>G (p.Ser811Gly)

Gene: SCN7A (sodium voltage-gated channel alpha subunit 7; minus strand). Cytogenetic location: 2q24.3.
Variant type: single nucleotide variant.
Coding change: c.2431A>G on transcript NM_002976.4 (MANE Select); coding-DNA position 2431, A replaced by G.
Protein change: p.Ser811Gly; replaces serine 811 with glycine.
Molecular consequence: missense variant. On other transcripts: non-coding transcript variant (1).
Genome position (GRCh38, 1-based): chr2:166,432,479, T>C on the plus strand (A>G on the coding strand, the complement: SCN7A is on the minus strand). VCF-style: chr2-166432479-T-C. GRCh37 (hg19) VCF-style: chr2-167288989-T-C.
Other names: short protein forms S811G.
Identifiers: ClinVar variation 727246 (VCV000727246.6), dbSNP rs146072866, ClinGen allele CA1945457.